The following is an entry in ClinVar:

NM_003737.4(DCHS1):c.3078A>C (p.Ala1026=)

Gene: DCHS1 (dachsous cadherin-related 1; minus strand). Cytogenetic location: 11p15.4.
Variant type: single nucleotide variant.
Coding change: c.3078A>C on transcript NM_003737.4 (MANE Select); coding-DNA position 3078, A replaced by C.
Protein change: p.Ala1026=; no amino-acid change (alanine 1026 retained).
Molecular consequence: synonymous variant.
Genome position (GRCh38, 1-based): chr11:6,632,434, T>G on the plus strand (A>C on the coding strand, the complement: DCHS1 is on the minus strand). VCF-style: chr11-6632434-T-G. GRCh37 (hg19) VCF-style: chr11-6653665-T-G.
Identifiers: ClinVar variation 2883947 (VCV002883947.17), dbSNP rs756382185, ClinGen allele CA217299318.

ClinVar aggregate classification (germline): Likely benign. Review status: criteria provided, multiple submitters, no conflicts (2 of 4 stars). 2 submissions from 2 submitters: Likely benign (2). Last evaluated 2024-11-01.

Allele frequency attached by ClinVar (database versions not stated): gnomAD 0.00001.

Submissions (2):

CeGaT Center for Human Genetics Tuebingen
Classification: Likely benign. Last evaluated: 2024-11-01. Review status: criteria provided, single submitter. Criteria: CeGaT Center For Human Genetics Tuebingen Variant Classification Criteria Version 2. Collection method: clinical testing. Allele origin: germline. Affected: yes. Observed: 1 variant allele.
Comment: DCHS1: BP4, BP7

Labcorp Genetics (formerly Invitae), Labcorp
Classification: Likely benign. Last evaluated: 2024-03-09. Review status: criteria provided, single submitter. Criteria: Invitae Variant Classification Sherloc (09022015). Collection method: clinical testing. Allele origin: germline.